The following is an entry in ClinVar:

ClinVar aggregate classification (germline): Uncertain significance (1 of 4 stars; one submission).

Allele frequency attached by ClinVar (database versions not stated): gnomAD exomes below 0.00001.
gnomAD v4.1: 1 of 1,613,480 alleles (0.000062%); highest among the groups gnomAD compares: Non-Finnish European, 0.000085%; no homozygotes.

Submission:

GeneDx
Classification: Uncertain significance. Last evaluated: 2022-07-05. Review status: criteria provided, single submitter. Criteria: GeneDx Variant Classification Process June 2021. Collection method: clinical testing. Allele origin: germline. Affected: yes.
Comment: Not observed at significant frequency in large population cohorts (gnomAD); Missense variant in a gene in which most reported pathogenic variants are truncating/loss of function; Has not been previously published as pathogenic or benign to our knowledge

NM_001267550.2(TTN):c.62551G>C (p.Gly20851Arg)

Genes: TTN (titin; minus strand), TTN-AS1 (TTN antisense RNA 1; plus strand). Cytogenetic location: 2q31.2.
Variant type: single nucleotide variant.
Coding change: c.62551G>C on transcript NM_001267550.2 (MANE Select); coding-DNA position 62551, G replaced by C.
Protein change: p.Gly20851Arg; replaces glycine 20851 with arginine.
Molecular consequence: missense variant.
Genome position (GRCh38, 1-based): chr2:178,589,174, C>G on the plus strand (G>C on the coding strand, the complement: TTN is on the minus strand). VCF-style: chr2-178589174-C-G. GRCh37 (hg19) VCF-style: chr2-179453901-C-G.
Other names: c.57628G>C, p.Gly19210Arg (NM_001256850.1); c.35356G>C, p.Gly11786Arg (NM_003319.4); c.54847G>C, p.Gly18283Arg (NM_133378.4); c.35731G>C, p.Gly11911Arg (NM_133432.3); c.35932G>C, p.Gly11978Arg (NM_133437.4); short protein forms G11786R, G11911R, G11978R, G19210R, G18283R, G20851R.
Identifiers: ClinVar variation 1810553 (VCV001810553.1), dbSNP rs2469381307, ClinGen allele CA349464464.